The following is an entry in ClinVar:

ClinVar aggregate classification (germline): Conflicting classifications of pathogenicity. Review status: criteria provided, conflicting classifications (1 of 4 stars). 7 submissions from 7 submitters: Likely pathogenic (2); Uncertain significance (5). Last evaluated 2025-04-09.

Conditions:
TTN-related disorder. Also called: TTN-related disorders; TTN-related condition; TTN-related disease.
Cardiovascular phenotype. Identifiers: MedGen CN230736.
Autosomal recessive limb-girdle muscular dystrophy type 2J (LGMDR10). Also called: Limb-girdle muscular dystrophy, type 2J; MUSCULAR DYSTROPHY, LIMB-GIRDLE, AUTOSOMAL RECESSIVE 10. Identifiers: Orphanet 140922, MedGen C1837342, MONDO:0012127, OMIM 608807.
Dilated cardiomyopathy 1G (CMD1G). Identifiers: Orphanet 154, MedGen C1858763, MONDO:0011400, OMIM 604145.

Submissions (7):

Molecular Diagnostic Laboratory for Inherited Cardiovascular Disease, Montreal Heart Institute
Classification: Uncertain significance for Cardiovascular phenotype. Last evaluated: 2025-04-09. Review status: criteria provided, single submitter. Criteria: ACMG Guidelines, 2015. Collection method: clinical testing. Allele origin: germline. Affected: yes.
Comment: PVS1_mod, PM2, PS4_supp

Blueprint Genetics
Classification: Likely pathogenic for TTN-related disorders. Last evaluated: 2024-05-15. Review status: criteria provided, single submitter. Criteria: ACMG Guidelines, 2015. Collection method: clinical testing. Allele origin: germline. Affected: yes. Observed: 5 variant alleles.

GeneDx
Classification: Uncertain significance. Last evaluated: 2023-08-24. Review status: criteria provided, single submitter. Criteria: GeneDx Variant Classification Process June 2021. Collection method: clinical testing. Allele origin: germline. Affected: yes.
Comment: Has not been previously published as pathogenic or benign to our knowledge; Not observed at a significant frequency in large population cohorts (gnomAD); Canonical splice site variant expected to result in aberrant splicing, although in the absence of functional evidence the actual effect of this sequence change is unknown; Located in a region of TTN within the I-band in which the majority of loss of function variants are significantly associated with autosomal dominant titinopathies (Deo et al., 2016; Schafer et al., 2017); This variant is associated with the following publications: (PMID: 27535533, 26582918, 27625338, 27869827)

Ambry Genetics
Classification: Uncertain significance for Cardiovascular phenotype. Last evaluated: 2023-07-18. Review status: criteria provided, single submitter. Criteria: Ambry Variant Classification Scheme 2023. Collection method: clinical testing. Allele origin: germline.
Comment: The c.13528+1delG intronic variant, located in intron 48 of the TTN gene, results from a deletion of one nucleotide within intron 48 of the TTN gene. Exon 48 is located in the I-band region of the N2-B isoform of the titin protein and is constitutively expressed in TTN transcripts (percent spliced in or PSI 100%). This alteration disrupts the canonical splice site and is expected to cause aberrant splicing. In silico splice site analysis predicts that this alteration will weaken the native splice donor site and will result in the creation or strengthening of a novel splice donor site. However, although direct evidence is unavailable, this alteration is predicted to result in an in-frame transcript that is not expected to trigger nonsense-mediated mRNA decay. The exact functional effect of the predicted splice impact is unknown. This nucleotide position is highly conserved in available vertebrate species. Since supporting evidence is limited at this time, the clinical significance of this alteration remains unclear.

Labcorp Genetics (formerly Invitae), Labcorp
Classification: Uncertain significance for Dilated cardiomyopathy 1G; Autosomal recessive limb-girdle muscular dystrophy type 2J. Last evaluated: 2023-03-09. Review status: criteria provided, single submitter. Criteria: Invitae Variant Classification Sherloc (09022015). Collection method: clinical testing. Allele origin: germline.
Comment: This sequence change affects a splice site in intron 221 of the TTN gene. It is expected to disrupt RNA splicing and likely results in a truncated or disrupted TTN protein. This variant is present in population databases (no rsID available, gnomAD 0.0009%). This variant has not been reported in the literature in individuals affected with TTN-related conditions. ClinVar contains an entry for this variant (Variation ID: 229431). Algorithms developed to predict the effect of sequence changes on RNA splicing suggest that this variant may disrupt the consensus splice site. This variant is located in the I band of TTN (PMID: 25589632). Truncating variants in this region have been shown to be highly prevalent in the general population and unaffected individuals (PMID: 26701604, 22335739). However, truncating variants in this region have also been reported in individuals affected with autosomal recessive centronuclear myopathy (PMID: 23975875). In summary, the available evidence is currently insufficient to determine the role of this variant in disease. Therefore, it has been classified as a Variant of Uncertain Significance.

PreventionGenetics, part of Exact Sciences
Classification: Likely pathogenic for TTN-related condition. Last evaluated: 2023-03-09. Review status: criteria provided, single submitter. Criteria: ACMG Guidelines, 2015. Collection method: clinical testing. Allele origin: germline.
Comment: The TTN c.40723+1delG variant is predicted to result in a deletion affecting a canonical splice site. To our knowledge, this variant has not been reported in the literature. This variant is located in the TTN protein I-band region. RNA sequencing studies from heart tissue indicate this exon is commonly included in TTN mRNA transcripts (Exon 221, PSI of 95%-100%, Roberts et al. 2015. PubMed ID: 25589632). TTN truncating variants are reported in 1-2% of presumably healthy individuals, but occur more frequently in exons with low PSI values (Roberts et al. 2015. PMID: 25589632; Herman et al. 2012. PMID: 22335739). However, many cases of recessive TTN-related myopathies in which the individual is compound heterozygous for two loss of function variants in TTN have also been reported (See Ceyhan-Birsoy et al. 2013. PMID: 23975875; Chauveau et al. 2014. PubMed ID: 24105469; Evilä et al. 2016. PubMed ID: 27796757; Ge et al. 2019. PubMed ID: 31053406). This variant is reported in 1 of ~240,000 alleles in individuals of European (Non-Finnish) descent in gnomAD. This variant is interpreted as likely pathogenic for both autosomal recessive and dominant TTN-related disorders.

Laboratory for Molecular Medicine, Mass General Brigham Personalized Medicine
Classification: Uncertain significance. Last evaluated: 2016-01-13. Review status: criteria provided, single submitter. Criteria: LMM Criteria. Collection method: clinical testing. Allele origin: germline. Observed: 1 variant allele.
Comment: Variant classified as Uncertain Significance - Favor Pathogenic. The c.33109+1de l variant in TTN has not been previously reported in individuals with cardiomyop athy or in large population studies. This variant occurs in the invariant region (+/- 1,2) of the splice consensus sequence and is predicted to cause altered sp licing leading to an abnormal or absent protein. Truncating variants in TTN are strongly associated with DCM if they are located in an exon that is highly expre ssed in the heart (Roberts 2015) and splice variants often lead to truncation. T he c.33109+1del variant is located in the highly expressed exon 170 of the I-ban d. While there is some suspicion for a pathogenic role, its significance remain s uncertain due to the lack of certainty on whether it leads to truncation combi ned with the architecture of this part of the TTN protein (multiple repeated sub -domains).

Literature cited by the submitters: PubMed 25589632 (cited by Labcorp Genetics (formerly Invitae), Labcorp); PubMed 26701604 (cited by Labcorp Genetics (formerly Invitae), Labcorp); PubMed 22335739 (cited by Labcorp Genetics (formerly Invitae), Labcorp); PubMed 23975875 (cited by Labcorp Genetics (formerly Invitae), Labcorp).

NM_001267550.2(TTN):c.40723+1del

Gene: TTN (titin; minus strand). Cytogenetic location: 2q31.2.
Variant type: Deletion.
Coding change: c.40723+1del on transcript NM_001267550.2 (MANE Select); the canonical splice donor site of the intron after coding-DNA position 40723, one base deleted (G; older notation c.40723+1delG).
Molecular consequence: splice donor variant.
Genome position (GRCh38, 1-based): chr2:178,640,540, C deleted on the plus strand (G on the coding strand, the reverse complement: TTN is on the minus strand); the first of 2 consecutive C bases (chr2:178,640,540-178,640,541); deleting either gives the same sequence. VCF-style (leftmost placement, unchanged base first): chr2-178640539-AC-A. GRCh37 (hg19) VCF-style: chr2-179505266-AC-A.
Other names: c.40723+1delG (NM_001267550.2); c.33019+1delG (NM_133378.4); c.13528+1del (NM_003319.4); c.14104+1del (NM_133437.4); c.13903+1del (NM_133432.3); c.33019+1del (NM_133378.4); c.35800+1del (NM_001256850.1); c.13528+1delG (NM_003319.4).
Identifiers: ClinVar variation 229431 (VCV000229431.19), dbSNP rs876658058, ClinGen allele CA10576536.